The following is an entry in ClinVar:

ClinVar aggregate classification (germline): Uncertain significance (1 of 4 stars; one submission).

Submission:

Labcorp Genetics (formerly Invitae), Labcorp
Classification: Uncertain significance. Last evaluated: 2025-04-09. Review status: criteria provided, single submitter. Criteria: Invitae Variant Classification Sherloc (09022015). Collection method: clinical testing. Allele origin: germline.
Comment: This sequence change replaces proline, which is neutral and non-polar, with serine, which is neutral and polar, at codon 34 of the MAPKAPK3 protein (p.Pro34Ser). This variant is not present in population databases (gnomAD no frequency). This variant has not been reported in the literature in individuals affected with MAPKAPK3-related conditions. An algorithm developed to predict the effect of missense changes on protein structure and function (PolyPhen-2) suggests that this variant is likely to be disruptive. In summary, the available evidence is currently insufficient to determine the role of this variant in disease. Therefore, it has been classified as a Variant of Uncertain Significance.

NM_001243925.2(MAPKAPK3):c.100C>T (p.Pro34Ser)

Gene: MAPKAPK3 (MAPK activated protein kinase 3; plus strand). Cytogenetic location: 3p21.2.
Variant type: single nucleotide variant.
Coding change: c.100C>T on transcript NM_001243925.2 (MANE Select); coding-DNA position 100, C replaced by T.
Protein change: p.Pro34Ser; replaces proline 34 with serine.
Molecular consequence: missense variant.
Genome position (GRCh38, 1-based): chr3:50,617,665, C>T. VCF-style: chr3-50617665-C-T. GRCh37 (hg19) VCF-style: chr3-50655096-C-T.
Other names: c.100C>T, p.Pro34Ser (NM_001243926.2, NM_004635.5); short protein forms P34S.
Identifiers: ClinVar variation 4716973 (VCV004716973.1).